The following is an entry in ClinVar:

ClinVar aggregate classification (germline): Pathogenic. Review status: reviewed by expert panel (3 of 4 stars). 3 submissions from 3 submitters: Pathogenic (1). 2 of the submissions do not count toward it. Last evaluated 2024-07-29.

Conditions:
T-cell immunodeficiency, congenital alopecia, and nail dystrophy. Also called: Congenital alopecia and nail dystrophy associated with severe functional T-cell immunodeficiency; Pignata Guarino syndrome. Identifiers: Orphanet 169095, MedGen C1866426, MONDO:0011132, OMIM 601705.

Allele frequency attached by ClinVar (database versions not stated): TOPMed 0.00001.

Submissions (3):

ClinGen Severe Combined Immunodeficiency Variant Curation Expert Panel, ClinGen
Classification: Pathogenic for T-cell immunodeficiency, congenital alopecia, and nail dystrophy. Last evaluated: 2024-07-29. Review status: reviewed by expert panel. Criteria: ClinGen SCID ACMG Specifications FOXN1 V1.0.0. Collection method: curation. Allele origin: germline. Inheritance: Semidominant inheritance.
Comment: NM_001369369.1(FOXN1):c.1420C>T (p.Gln474Ter) is a nonsense variant in exon 8, of 9, which is predicted to undergo NMD (PVS1). This variant was reported in P20 (PMID: 31447097) with nail dystrophy, low TRECs, and low CD8 cell counts 488 cells/ul [nv:560-1700], which together is highly specific for FOXN1 related disease (PP4). This variant is absent from gnomADv2.1.1 (PM2_supporting). In summary this variant meets criteria to be classified as pathogenic for semidominant T-cell immunodeficiency, congenital alopecia, and nail dystrophy due to FOXN1 deficiency based on the ACMG/AMP criteria applied: PVS1, PM2_supporting, and PP4 as specified by the ClinGen SCID VCEP FOXN1 subgroup.

Labcorp Genetics (formerly Invitae), Labcorp
Classification: Pathogenic for T-cell immunodeficiency, congenital alopecia, and nail dystrophy. Last evaluated: 2023-04-30. Review status: criteria provided, single submitter. Criteria: Invitae Variant Classification Sherloc (09022015). Collection method: clinical testing. Allele origin: germline. Not counted in ClinVar's aggregate classification.
Comment: For these reasons, this variant has been classified as Pathogenic. Algorithms developed to predict the effect of sequence changes on RNA splicing suggest that this variant may disrupt the consensus splice site. ClinVar contains an entry for this variant (Variation ID: 660886). This premature translational stop signal has been observed in individual(s) with clinical features of FOXN1 haploinsufficiency (PMID: 31447097). This variant is not present in population databases (gnomAD no frequency). This sequence change creates a premature translational stop signal (p.Gln474*) in the FOXN1 gene. It is expected to result in an absent or disrupted protein product. Loss-of-function variants in FOXN1 are known to be pathogenic (PMID: 10206641, 15180707, 31447097).

Baylor Genetics
Classification: Pathogenic for T-cell immunodeficiency, congenital alopecia, and nail dystrophy. Last evaluated: 2019-03-26. Review status: criteria provided, single submitter. Criteria: ACMG Guidelines, 2015. Collection method: clinical testing. Allele origin: paternal. Affected: yes. Not counted in ClinVar's aggregate classification.
Comment: This variant was determined to be pathogenic according to ACMG Guidelines, 2015 [PMID:25741868].

Literature cited by the submitters: PubMed 31447097 (cited by Labcorp Genetics (formerly Invitae), Labcorp); PubMed 10206641 (cited by Labcorp Genetics (formerly Invitae), Labcorp); PubMed 15180707 (cited by Labcorp Genetics (formerly Invitae), Labcorp).

NM_001369369.1(FOXN1):c.1420C>T (p.Gln474Ter)

Gene: FOXN1 (forkhead box N1; plus strand). Cytogenetic location: 17q11.2.
Variant type: single nucleotide variant.
Coding change: c.1420C>T on transcript NM_001369369.1 (MANE Select); coding-DNA position 1420, C replaced by T.
Protein change: p.Gln474Ter; replaces glutamine 474 with a stop codon.
Molecular consequence: nonsense.
Genome position (GRCh38, 1-based): chr17:28,534,991, C>T. VCF-style: chr17-28534991-C-T. GRCh37 (hg19) VCF-style: chr17-26862009-C-T.
Other names: NM_001369369.1(FOXN1):c.1420C>T; p.Gln474Ter; c.1420C>T, p.Gln474Ter (NM_003593.3); short protein forms Q474*.
Identifiers: ClinVar variation 660886 (VCV000660886.10), dbSNP rs1438890364, ClinGen allele CA398326368.
Genomic context (GRCh38, chr17:28,534,991, plus strand): 5'-ACATACTTGCACCTCTCACCAGGCCTGGCCCCTCCTGGACCCCCGCAGCCATTGTTCCCA[C>T]AGCCGGACGGGCACCTTGAGCTGCGGGCCCAGCCAGGCACCCCCCAGGACTCGCCTCTGC-3'